The following is an entry in ClinVar:

NM_001364905.1(LRBA):c.6319del (p.Ile2107fs)

Gene: LRBA (LPS responsive beige-like anchor protein; minus strand). Cytogenetic location: 4q31.3.
Variant type: Deletion.
Coding change: c.6319del on transcript NM_001364905.1 (MANE Select); coding-DNA position 6319, one base deleted (A; older notation c.6319delA).
Protein change: p.Ile2107fs; shifts the reading frame from isoleucine 2107.
Molecular consequence: frameshift variant.
Genome position (GRCh38, 1-based): chr4:150,588,059, T deleted on the plus strand (A on the coding strand, the reverse complement: LRBA is on the minus strand); the first of 7 consecutive T bases (chr4:150,588,059-150,588,065); deleting any one gives the same sequence. VCF-style (leftmost placement, unchanged base first): chr4-150588058-AT-A. GRCh37 (hg19) VCF-style: chr4-151509210-AT-A.
Other names: c.6313delA, p.Ile2107Serfs (NM_001199282.3); c.6319del, p.Ile2107fs (NM_001367550.1); c.6346delA, p.Ile2118Serfs (NM_006726.5); short protein forms I2118fs, I2107fs.
Identifiers: ClinVar variation 1452672 (VCV001452672.6), dbSNP rs34237929, ClinGen allele CA108378130.
Genomic context (GRCh38, chr4:150,588,058, plus strand): 5'-GCACCCACCATCCCATCATAAGAAAAAATGAAACCCCTTCATCTTCTCACCTTGGGGTCG[AT>A]TTTTTTGAAGTTAGGATCCTCTTCATCCACCTCAAAATAGAGTTCGGAGGAGGTGACAGA-3'

ClinVar aggregate classification (germline): Pathogenic (1 of 4 stars; one submission).

Conditions:
Combined immunodeficiency due to LRBA deficiency. Also called: Common variable immunodeficiency 8, with autoimmunity. Identifiers: Orphanet 445018, MedGen C3553512, MONDO:0013863, OMIM 614700.

Submission:

Labcorp Genetics (formerly Invitae), Labcorp
Classification: Pathogenic for Combined immunodeficiency due to LRBA deficiency. Last evaluated: 2021-11-04. Review status: criteria provided, single submitter. Criteria: Invitae Variant Classification Sherloc (09022015). Collection method: clinical testing. Allele origin: germline.
Comment: This sequence change creates a premature translational stop signal (p.Ile2118Serfs*46) in the LRBA gene. It is expected to result in an absent or disrupted protein product. Loss-of-function variants in LRBA are known to be pathogenic (PMID: 26206937, 26768763). This variant is not present in population databases (gnomAD no frequency). This variant has not been reported in the literature in individuals affected with LRBA-related conditions. For these reasons, this variant has been classified as Pathogenic.

Literature cited by the submitters: PubMed 26206937; PubMed 26768763.